The following is an entry in ClinVar:

ClinVar aggregate classification (germline): Likely benign (1 of 4 stars; one submission).

Allele frequency attached by ClinVar (database versions not stated): gnomAD 0.00003; TOPMed 0.00005; 1000 Genomes Project 30x 0.00016; 1000 Genomes Project 0.00020.

Submission:

GeneDx
Classification: Likely benign. Last evaluated: 2017-06-13. Review status: criteria provided, single submitter. Criteria: GeneDx Variant Classification (06012015). Collection method: clinical testing. Allele origin: germline. Affected: yes.
Comment: This variant is considered likely benign or benign based on one or more of the following criteria: it is a conservative change, it occurs at a poorly conserved position in the protein, it is predicted to be benign by multiple in silico algorithms, and/or has population frequency not consistent with disease.

NM_001378969.1(KCND3):c.-73+753A>G

Gene: KCND3 (potassium voltage-gated channel subfamily D member 3; minus strand). Cytogenetic location: 1p13.2.
Variant type: single nucleotide variant.
Coding change: c.-73+753A>G on transcript NM_001378969.1 (MANE Select); 753 bases into the intron after 73 bases upstream of the start codon, A replaced by G.
Molecular consequence: intron variant. On other transcripts: 5 prime UTR variant (2).
Genome position (GRCh38, 1-based): chr1:111,988,752, T>C on the plus strand (A>G on the coding strand, the complement: KCND3 is on the minus strand). VCF-style: chr1-111988752-T-C. GRCh37 (hg19) VCF-style: chr1-112531374-T-C.
Other names: c.-77A>G (NM_004980.5, NM_172198.3); c.-73+753A>G (NM_001378970.1).
Identifiers: ClinVar variation 517919 (VCV000517919.1), dbSNP rs539046437, ClinGen allele CA29326960.